The following is an entry in ClinVar:

ClinVar aggregate classification (germline): Uncertain significance (1 of 4 stars; one submission).

Conditions:
Severe combined immunodeficiency due to DNA-PKcs deficiency. Also called: Immunodeficiency 26 with or without neurologic abnormalities; IMMUNODEFICIENCY 26 WITH NEUROLOGIC ABNORMALITIES. Identifiers: Orphanet 317425, MedGen C4014833, MONDO:0014423, OMIM 615966.

Allele frequency attached by ClinVar (database versions not stated): TOPMed below 0.00001; gnomAD 0.00001.
gnomAD v4.1: 1 of 1,565,630 alleles (0.000064%); highest among the groups gnomAD compares: Non-Finnish European, 0.000087%; no homozygotes.

Submission:

Labcorp Genetics (formerly Invitae), Labcorp
Classification: Uncertain significance for Severe combined immunodeficiency due to DNA-PKcs deficiency. Last evaluated: 2024-02-24. Review status: criteria provided, single submitter. Criteria: Invitae Variant Classification Sherloc (09022015). Collection method: clinical testing. Allele origin: germline.
Comment: This sequence change replaces isoleucine, which is neutral and non-polar, with threonine, which is neutral and polar, at codon 1467 of the PRKDC protein (p.Ile1467Thr). This variant is not present in population databases (gnomAD no frequency). This variant has not been reported in the literature in individuals affected with PRKDC-related conditions. ClinVar contains an entry for this variant (Variation ID: 2114268). Advanced modeling of protein sequence and biophysical properties (such as structural, functional, and spatial information, amino acid conservation, physicochemical variation, residue mobility, and thermodynamic stability) performed at Invitae indicates that this missense variant is not expected to disrupt PRKDC protein function with a negative predictive value of 80%. In summary, the available evidence is currently insufficient to determine the role of this variant in disease. Therefore, it has been classified as a Variant of Uncertain Significance.

NM_006904.7(PRKDC):c.4400T>C (p.Ile1467Thr)

Gene: PRKDC (protein kinase, DNA-activated, catalytic subunit; minus strand). Cytogenetic location: 8q11.21.
Variant type: single nucleotide variant.
Coding change: c.4400T>C on transcript NM_006904.7 (MANE Select); coding-DNA position 4400, T replaced by C.
Protein change: p.Ile1467Thr; replaces isoleucine 1467 with threonine.
Molecular consequence: missense variant.
Genome position (GRCh38, 1-based): chr8:47,888,531, A>G on the plus strand (T>C on the coding strand, the complement: PRKDC is on the minus strand). VCF-style: chr8-47888531-A-G. GRCh37 (hg19) VCF-style: chr8-48801092-A-G.
Other names: c.4400T>C, p.Ile1467Thr (NM_001081640.2); short protein forms I1467T.
Identifiers: ClinVar variation 2114268 (VCV002114268.4), dbSNP rs201886203, ClinGen allele CA176151416.